The following is an entry in ClinVar:

NM_001370259.2(MEN1):c.248_266del (p.Leu83fs)

Gene: MEN1 (menin 1; minus strand). Cytogenetic location: 11q13.1.
Variant type: Deletion.
Coding change: c.248_266del on transcript NM_001370259.2 (MANE Select); coding-DNA positions 248 to 266, 19 bases deleted (TGTCTATCATCGCCGCCCT).
Protein change: p.Leu83fs; shifts the reading frame from leucine 83.
Molecular consequence: frameshift variant.
Genome position (GRCh38, 1-based): chr11:64,809,844-64,809,862, AGGGCGGCGATGATAGACA deleted on the plus strand (TGTCTATCATCGCCGCCCT on the coding strand, the reverse complement: MEN1 is on the minus strand). VCF-style (leftmost placement, unchanged base first): chr11-64809843-GAGGGCGGCGATGATAGACA-G. GRCh37 (hg19) VCF-style: chr11-64577315-GAGGGCGGCGATGATAGACA-G.
Other names: c.248_266del, p.Leu83fs (NM_000244.4, NM_001370251.2, NM_001370260.2 and 9 more transcripts); short protein forms L83fs.
Identifiers: ClinVar variation 1072293 (VCV001072293.8), dbSNP rs2136187161, ClinGen allele CA2499221168.

ClinVar aggregate classification (germline): Pathogenic (1 of 4 stars; one submission).

Conditions:
Multiple endocrine neoplasia, type 1 (MEN1). Also called: MEN I; WERMER SYNDROME; Endocrine adenomatosis multiple; MEN 1; MEA I. Identifiers: Orphanet 652, MedGen C0025267, MeSH D018761, MONDO:0007540, OMIM 131100.

Submission:

Labcorp Genetics (formerly Invitae), Labcorp
Classification: Pathogenic for Multiple endocrine neoplasia, type 1. Last evaluated: 2022-10-18. Review status: criteria provided, single submitter. Criteria: Invitae Variant Classification Sherloc (09022015). Collection method: clinical testing. Allele origin: germline.
Comment: This sequence change creates a premature translational stop signal (p.Leu83Profs*30) in the MEN1 gene. It is expected to result in an absent or disrupted protein product. Loss-of-function variants in MEN1 are known to be pathogenic (PMID: 12112656, 17853334). For these reasons, this variant has been classified as Pathogenic. ClinVar contains an entry for this variant (Variation ID: 1072293). This variant has not been reported in the literature in individuals affected with MEN1-related conditions. This variant is not present in population databases (gnomAD no frequency).

Literature cited by the submitters: PubMed 12112656; PubMed 17853334.